The following is an entry in ClinVar:

ClinVar aggregate classification (germline): Benign. Review status: criteria provided, multiple submitters, no conflicts (2 of 4 stars). 7 submissions from 7 submitters: Benign (6). 1 of the submissions does not count toward it. Last evaluated 2026-02-02.

Conditions:
Retinal dystrophy. Also called: Inherited retinal dystrophy. Identifiers: Orphanet 71862, MedGen C0854723, MeSH D058499, MONDO:0019118, HP:0000556.
Retinitis pigmentosa (RP). Identifiers: Orphanet 791, MedGen C0035334, MeSH D012174, MONDO:0019200, OMIM 268000. Inheritance: Autosomal dominant, autosomal recessive and X linked inheritance.
Retinitis pigmentosa 38 (RP38). Also called: ROD-CONE DYSTROPHY, CHILDHOOD-ONSET. Identifiers: Orphanet 791, MedGen C3151228, MONDO:0013469, OMIM 613862.

Allele frequency attached by ClinVar (database versions not stated): gnomAD 0.08379 and 0.07872; ESP Exome Variant Server 0.08996; gnomAD exomes 0.03801 and 0.04514; ExAC 0.04731; 1000 Genomes Project 0.07208; 1000 Genomes Project 30x 0.07292; TOPMed 0.08213.

Submissions (7):

Labcorp Genetics (formerly Invitae), Labcorp
Classification: Benign. Last evaluated: 2026-02-02. Review status: criteria provided, single submitter. Criteria: Invitae Variant Classification Sherloc (09022015). Collection method: clinical testing. Allele origin: germline.

Dept Of Ophthalmology, Nagoya University
Classification: Benign for Retinal dystrophy. Last evaluated: 2023-10-01. Review status: criteria provided, single submitter. Criteria: Submitter's publication. Collection method: research. Allele origin: germline. Affected: yes.

Genome-Nilou Lab
Classification: Benign for Retinitis pigmentosa 38. Last evaluated: 2021-09-05. Review status: criteria provided, single submitter. Criteria: ACMG Guidelines, 2015. Collection method: clinical testing. Allele origin: germline. Affected: no.

Illumina Laboratory Services, Illumina
Classification: Benign for Retinitis pigmentosa. Last evaluated: 2018-01-12. Review status: criteria provided, single submitter. Criteria: ICSL Variant Classification Criteria 13 December 2019. Collection method: clinical testing. Allele origin: germline.
Comment: This variant was observed in the ICSL laboratory as part of a predisposition screen in an ostensibly healthy population. It had not been previously curated by ICSL or reported in the Human Gene Mutation Database (HGMD: prior to June 1st, 2018), and was therefore a candidate for classification through an automated scoring system. Utilizing variant allele frequency, disease prevalence and penetrance estimates, and inheritance mode, an automated score was calculated to assess if this variant is too frequent to cause the disease. Based on the score and internal cut-off values, a variant classified as benign is not then subjected to further curation. The score for this variant resulted in a classification of benign for this disease.

Eurofins Ntd Llc (ga)
Classification: Benign. Last evaluated: 2014-03-17. Review status: criteria provided, single submitter. Criteria: EGL Classification Definitions 2015. Collection method: clinical testing. Allele origin: germline. Observed: 1 variant allele, 1 heterozygote.

Breakthrough Genomics
Classification: Benign. Review status: criteria provided, single submitter. Criteria: ACMG Guidelines, 2015. Collection method: not provided. Allele origin: germline. Inheritance: Autosomal recessive inheritance. Affected: yes.

NEI Ophthalmic Genomics Laboratory, National Institutes of Health
No classification provided. Review status: no classification provided. Collection method: not provided. Allele origin: not provided. Not counted in ClinVar's aggregate classification.

NM_006343.3(MERTK):c.2608G>A (p.Val870Ile)

Gene: MERTK (MER proto-oncogene, tyrosine kinase; plus strand). Cytogenetic location: 2q13.
Variant type: single nucleotide variant.
Coding change: c.2608G>A on transcript NM_006343.3 (MANE Select); coding-DNA position 2608, G replaced by A.
Protein change: p.Val870Ile; replaces valine 870 with isoleucine.
Molecular consequence: missense variant.
Genome position (GRCh38, 1-based): chr2:112,028,472, G>A. VCF-style: chr2-112028472-G-A. GRCh37 (hg19) VCF-style: chr2-112786049-G-A.
Other names: short protein forms V870I.
Identifiers: ClinVar variation 100581 (VCV000100581.22), dbSNP rs2230517, ClinGen allele CA180187.